The following is an entry in ClinVar:

NM_001244008.2(KIF1A):c.5207T>C (p.Met1736Thr)

Gene: KIF1A (kinesin family member 1A; minus strand). Cytogenetic location: 2q37.3.
Variant type: single nucleotide variant.
Coding change: c.5207T>C on transcript NM_001244008.2 (MANE Select); coding-DNA position 5207, T replaced by C.
Protein change: p.Met1736Thr; replaces methionine 1736 with threonine.
Molecular consequence: missense variant. On other transcripts: intron variant (1).
Genome position (GRCh38, 1-based): chr2:240,719,013, A>G on the plus strand (T>C on the coding strand, the complement: KIF1A is on the minus strand). VCF-style: chr2-240719013-A-G. GRCh37 (hg19) VCF-style: chr2-241658430-A-G.
Other names: c.4931T>C, p.Met1644Thr (NM_001320705.2, NM_001379649.1); c.4958T>C, p.Met1653Thr (NM_001330289.2); c.5006T>C, p.Met1669Thr (NM_001330290.2, NM_001379648.1); c.5282T>C, p.Met1761Thr (NM_001379631.1); c.5183T>C, p.Met1728Thr (NM_001379632.1); c.5180T>C, p.Met1727Thr (NM_001379633.1, NM_001379645.1); c.5033T>C, p.Met1678Thr (NM_001379634.1); c.5030T>C, p.Met1677Thr (NM_001379635.1, NM_001379646.1); and 8 more; short protein forms M1634T, M1635T, M1643T, M1644T, M1652T, M1653T, M1660T, M1669T.
Identifiers: ClinVar variation 4848696 (VCV004848696.1).

ClinVar aggregate classification (germline): Uncertain significance (1 of 4 stars; one submission).

Submission:

Women's Health and Genetics/Laboratory Corporation of America, LabCorp
Classification: Uncertain significance. Last evaluated: 2026-04-10. Review status: criteria provided, single submitter. Criteria: LabCorp Variant Classification Summary - May 2015. Collection method: clinical testing. Allele origin: germline.
Comment: Variant summary: KIF1A c.4904T>C (p.Met1635Thr) results in a non-conservative amino acid change in the encoded protein sequence. Algorithms developed to predict the effect of missense changes on protein structure and function are either unavailable or do not agree on the potential impact of this missense change. The variant was absent in 246242 control chromosomes. The available data on variant occurrences in the general population are insufficient to allow any conclusion about variant significance. To our knowledge, no occurrence of c.4904T>C in individuals affected with KIF1A-related conditions and no experimental evidence demonstrating its impact on protein function have been reported. No submitters have cited clinical-significance assessments for this variant to ClinVar. Based on the evidence outlined above, the variant was classified as uncertain significance.